The following is an entry in ClinVar:

ClinVar aggregate classification (germline): Uncertain significance (1 of 4 stars; one submission).

Conditions:
Autosomal recessive ataxia, Beauce type. Also called: SYNE1-Related Autosomal Recessive Cerebellar Ataxia; Spinocerebellar ataxia, autosomal recessive 8; ATAXIA, RECESSIVE, OF BEAUCE; SYNE1 Deficiency. Identifiers: Orphanet 88644, MedGen C1853116, MONDO:0012549, OMIM 610743.
Emery-Dreifuss muscular dystrophy 4, autosomal dominant (EDMD4). Also called: EMERY-DREIFUSS MUSCULAR DYSTROPHY 4 WITH VARIABLE FEATURES. Identifiers: Orphanet 261, MedGen C2751807, MONDO:0013071, OMIM 612998.

gnomAD v4.1: 1 of 1,614,202 alleles (0.000062%); highest among the groups gnomAD compares: Non-Finnish European, 0.000085%; no homozygotes.

Submission:

Labcorp Genetics (formerly Invitae), Labcorp
Classification: Uncertain significance for Emery-Dreifuss muscular dystrophy 4, autosomal dominant; Autosomal recessive ataxia, Beauce type. Last evaluated: 2022-03-08. Review status: criteria provided, single submitter. Criteria: Invitae Variant Classification Sherloc (09022015). Collection method: clinical testing. Allele origin: germline.
Comment: This sequence change replaces threonine, which is neutral and polar, with isoleucine, which is neutral and non-polar, at codon 6334 of the SYNE1 protein (p.Thr6334Ile). This variant is not present in population databases (gnomAD no frequency). This variant has not been reported in the literature in individuals affected with SYNE1-related conditions. Algorithms developed to predict the effect of missense changes on protein structure and function (SIFT, PolyPhen-2, Align-GVGD) all suggest that this variant is likely to be disruptive. In summary, the available evidence is currently insufficient to determine the role of this variant in disease. Therefore, it has been classified as a Variant of Uncertain Significance.

NM_182961.4(SYNE1):c.19214C>T (p.Thr6405Ile)

Gene: SYNE1 (spectrin repeat containing nuclear envelope protein 1; minus strand). Cytogenetic location: 6q25.2.
Variant type: single nucleotide variant.
Coding change: c.19214C>T on transcript NM_182961.4 (MANE Select); coding-DNA position 19214, C replaced by T.
Protein change: p.Thr6405Ile; replaces threonine 6405 with isoleucine.
Molecular consequence: missense variant.
Genome position (GRCh38, 1-based): chr6:152,255,637, G>A on the plus strand (C>T on the coding strand, the complement: SYNE1 is on the minus strand). VCF-style: chr6-152255637-G-A. GRCh37 (hg19) VCF-style: chr6-152576772-G-A.
Other names: c.19001C>T, p.Thr6334Ile (NM_033071.5); short protein forms T6334I, T6405I.
Identifiers: ClinVar variation 1498595 (VCV001498595.8), dbSNP rs2153623229, ClinGen allele CA366136813.
Genomic context (GRCh38, chr6:152,255,637, plus strand): 5'-ACTACTAAACCTACCTCTTGGTTGAAGAGACAAGTCTCTGTTTCTTCTGGTAAAAGTGCT[G>A]TGGCAACAAATAAACGTTCTTCAACGTCATCCAACCAAGTAGAGGTGGCTGAGACTCCAT-3'
Protein context (NP_892006.3, residues 6395-6415): DDVEERLFVA[Thr6405Ile]ALLPEETETC